The following is an entry in ClinVar:

NM_000271.5(NPC1):c.2213C>A (p.Ser738Ter)

Gene: NPC1 (NPC intracellular cholesterol transporter 1; minus strand). Cytogenetic location: 18q11.2.
Variant type: single nucleotide variant.
Coding change: c.2213C>A on transcript NM_000271.5 (MANE Select); coding-DNA position 2213, C replaced by A.
Protein change: p.Ser738Ter; replaces serine 738 with a stop codon.
Molecular consequence: nonsense.
Genome position (GRCh38, 1-based): chr18:23,543,487, G>T on the plus strand (C>A on the coding strand, the complement: NPC1 is on the minus strand). VCF-style: chr18-23543487-G-T. GRCh37 (hg19) VCF-style: chr18-21123451-G-T.
Other names: short protein forms S738*.
Identifiers: ClinVar variation 242482 (VCV000242482.20), dbSNP rs777286835, ClinGen allele CA353802.

ClinVar aggregate classification (germline): Pathogenic. Review status: criteria provided, multiple submitters, no conflicts (2 of 4 stars). 6 submissions from 6 submitters: Pathogenic (4). 2 of the submissions do not count toward it. Last evaluated 2024-06-04.

Conditions:
Niemann-Pick disease, type C1. Also called: NEUROVISCERAL STORAGE DISEASE WITH VERTICAL SUPRANUCLEAR OPHTHALMOPLEGIA; NIEMANN-PICK DISEASE WITH CHOLESTEROL ESTERIFICATION BLOCK; NIEMANN-PICK DISEASE WITHOUT SPHINGOMYELINASE DEFICIENCY; NIEMANN-PICK DISEASE, CHRONIC NEURONOPATHIC FORM; NIEMANN-PICK DISEASE, VARIANT TYPE C1. Identifiers: Orphanet 646, MedGen C3179455, MONDO:0009757, OMIM 257220.

Allele frequency attached by ClinVar (database versions not stated): TOPMed 0.00001.
gnomAD v4.1: 2 of 1,611,208 alleles (0.00012%); highest among the groups gnomAD compares: East Asian, 0.0045%; no homozygotes.

Submissions (6):

3billion
Classification: Pathogenic for Niemann-Pick disease, type C1. Last evaluated: 2024-06-04. Review status: criteria provided, single submitter. Criteria: ACMG Guidelines, 2015. Collection method: clinical testing. Allele origin: germline. Affected: yes.
Comment: The variant is observed at an extremely low frequency in the gnomAD v4.0.0 dataset (total allele frequency: <0.001%). Predicted Consequence/Location: Stop-gained (nonsense): predicted to result in a loss or disruption of normal protein function through nonsense-mediated decay (NMD) or protein truncation. Multiple pathogenic variants are reported downstream of the variant. The variant has been reported at least twice as pathogenic with clinical assertions and evidence for the classification (ClinVar ID: VCV000242482 /PMID: 12955717). Therefore, this variant is classified as Pathogenic according to the recommendation of ACMG/AMP guideline.

Labcorp Genetics (formerly Invitae), Labcorp
Classification: Pathogenic for Niemann-Pick disease, type C1. Last evaluated: 2024-02-29. Review status: criteria provided, single submitter. Criteria: Invitae Variant Classification Sherloc (09022015). Collection method: clinical testing. Allele origin: germline.
Comment: This sequence change creates a premature translational stop signal (p.Ser738*) in the NPC1 gene. It is expected to result in an absent or disrupted protein product. Loss-of-function variants in NPC1 are known to be pathogenic (PMID: 9211850). This variant is present in population databases (rs777286835, gnomAD 0.006%). This premature translational stop signal has been observed in individuals with Niemann-Pick disease type C (PMID: 12955717, 15774455, 25326637). ClinVar contains an entry for this variant (Variation ID: 242482). Algorithms developed to predict the effect of sequence changes on RNA splicing suggest that this variant may disrupt the consensus splice site. For these reasons, this variant has been classified as Pathogenic.

Fulgent Genetics
Classification: Pathogenic for Niemann-Pick disease, type C1. Last evaluated: 2022-05-16. Review status: criteria provided, single submitter. Criteria: ACMG Guidelines, 2015. Collection method: clinical testing. Allele origin: unknown.

Juno Genomics, Hangzhou Juno Genomics, Inc
Classification: Pathogenic for Niemann-Pick disease, type C1. Review status: criteria provided, single submitter. Criteria: ACMG Guidelines, 2015. Collection method: clinical testing. Allele origin: germline.
Comment: Absent from controls (or at extremely low frequency if recessive) in Genome Aggregation Database.;Null variant in a gene where loss of function (LOF) is a known mechanism of disease.;For recessive disorders, detected in trans with a pathogenic variant.

Natera, Inc.
Classification: Pathogenic for Niemann-Pick disease type C1. Last evaluated: 2020-06-09. Review status: no assertion criteria provided. Collection method: clinical testing. Allele origin: germline. Not counted in ClinVar's aggregate classification.

Counsyl
Classification: Pathogenic for Niemann-Pick disease, type C1. Last evaluated: 2017-04-10. Review status: no assertion criteria provided. Collection method: clinical testing. Allele origin: unknown. Not counted in ClinVar's aggregate classification.

Literature cited by the submitters: PubMed 12955717 (cited by 3 submitters); PubMed 9211850 (cited by Labcorp Genetics (formerly Invitae), Labcorp); PubMed 15774455 (cited by Labcorp Genetics (formerly Invitae), Labcorp and Counsyl); PubMed 25326637 (cited by Labcorp Genetics (formerly Invitae), Labcorp and Counsyl).